The following is an entry in ClinVar:

NM_016340.6(RAPGEF6):c.1563C>G (p.Ala521=)

Gene: RAPGEF6 (Rap guanine nucleotide exchange factor 6; minus strand). Cytogenetic location: 5q31.1.
Variant type: single nucleotide variant.
Coding change: c.1563C>G on transcript NM_016340.6 (MANE Select); coding-DNA position 1563, C replaced by G.
Protein change: p.Ala521=; no amino-acid change (alanine 521 retained).
Molecular consequence: synonymous variant.
Genome position (GRCh38, 1-based): chr5:131,492,750, G>C on the plus strand (C>G on the coding strand, the complement: RAPGEF6 is on the minus strand). VCF-style: chr5-131492750-G-C. GRCh37 (hg19) VCF-style: chr5-130828443-G-C.
Other names: c.1563C>G, p.Ala521= (NM_001164386.2, NM_001164387.2, NM_001164388.2 and 2 more transcripts).
Identifiers: ClinVar variation 2655689 (VCV002655689.24), dbSNP rs1756367085, ClinGen allele CA446313597.

ClinVar aggregate classification (germline): Likely benign (1 of 4 stars; one submission).

Allele frequency attached by ClinVar (database versions not stated): gnomAD exomes 0.00001.
gnomAD v4.1: 9 of 1,613,864 alleles (0.00056%); highest among the groups gnomAD compares: African/African-American, 0.0067%; no homozygotes.

Submission:

CeGaT Center for Human Genetics Tuebingen
Classification: Likely benign. Last evaluated: 2022-06-01. Review status: criteria provided, single submitter. Criteria: CeGaT Center For Human Genetics Tuebingen Variant Classification Criteria Version 2. Collection method: clinical testing. Allele origin: germline. Affected: yes. Observed: 1 variant allele.
Comment: RAPGEF6: PM2:Supporting, BP4, BP7